The following is an entry in ClinVar:

NM_003482.4(KMT2D):c.675G>C (p.Glu225Asp)

Gene: KMT2D (lysine methyltransferase 2D; minus strand). Cytogenetic location: 12q13.12.
Variant type: single nucleotide variant.
Coding change: c.675G>C on transcript NM_003482.4 (MANE Select); coding-DNA position 675, G replaced by C.
Protein change: p.Glu225Asp; replaces glutamic acid 225 with aspartic acid.
Molecular consequence: missense variant.
Genome position (GRCh38, 1-based): chr12:49,053,640, C>G on the plus strand (G>C on the coding strand, the complement: KMT2D is on the minus strand). VCF-style: chr12-49053640-C-G. GRCh37 (hg19) VCF-style: chr12-49447423-C-G.
Other names: c.675G>C (NM_003482.3); short protein forms E225D.
Identifiers: ClinVar variation 1407314 (VCV001407314.8), dbSNP rs1275062415, ClinGen allele CA384682219.

ClinVar aggregate classification (germline): Uncertain significance. Review status: criteria provided, multiple submitters, no conflicts (2 of 4 stars). 3 submissions from 3 submitters: Uncertain significance (2). 1 of the submissions does not count toward it. Last evaluated 2024-02-13.

Conditions:
Kabuki syndrome 1 (KABUK1). Also called: KMT2D-Related Kabuki Syndrome. Identifiers: Orphanet 2322, MedGen CN030661, MONDO:0007843, OMIM 147920.
Choanal atresia-athelia-hypothyroidism-delayed puberty-short stature syndrome (BCAHH). Also called: BRANCHIAL ARCH ABNORMALITIES, CHOANAL ATRESIA, ATHELIA, HEARING LOSS, AND HYPOTHYROIDISM SYNDROME. Identifiers: Orphanet 589856, MedGen C5680310, MONDO:0035651, OMIM 620186.
KMT2D-related disorder. Also called: KMT2D-Related Disorders.
Kabuki syndrome. Also called: NIIKAWA-KUROKI SYNDROME; Kabuki make-up syndrome. Identifiers: Orphanet 2322, MedGen C0796004, MONDO:0016512.

Allele frequency attached by ClinVar (database versions not stated): gnomAD exomes below 0.00001; TOPMed 0.00001.

Submissions (3):

Fulgent Genetics
Classification: Uncertain significance for Kabuki syndrome 1; Choanal atresia-athelia-hypothyroidism-delayed puberty-short stature syndrome. Last evaluated: 2024-02-13. Review status: criteria provided, single submitter. Criteria: ACMG Guidelines, 2015. Collection method: clinical testing. Allele origin: germline.

Labcorp Genetics (formerly Invitae), Labcorp
Classification: Uncertain significance for Kabuki syndrome. Last evaluated: 2021-11-27. Review status: criteria provided, single submitter. Criteria: Invitae Variant Classification Sherloc (09022015). Collection method: clinical testing. Allele origin: germline.
Comment: In summary, the available evidence is currently insufficient to determine the role of this variant in disease. Therefore, it has been classified as a Variant of Uncertain Significance. Algorithms developed to predict the effect of missense changes on protein structure and function are either unavailable or do not agree on the potential impact of this missense change (SIFT: "Tolerated"; PolyPhen-2: "Not Available"; Align-GVGD: "Class C0"). This variant has not been reported in the literature in individuals affected with KMT2D-related conditions. This variant is present in population databases (no rsID available, gnomAD 0.008%). This sequence change replaces glutamic acid, which is acidic and polar, with aspartic acid, which is acidic and polar, at codon 225 of the KMT2D protein (p.Glu225Asp).

PreventionGenetics, part of Exact Sciences
Classification: Uncertain significance for KMT2D-related condition. Last evaluated: 2024-07-10. Review status: no assertion criteria provided. Collection method: clinical testing. Allele origin: germline. Not counted in ClinVar's aggregate classification.
Comment: The KMT2D c.675G>C variant is predicted to result in the amino acid substitution p.Glu225Asp. To our knowledge, this variant has not been reported in the literature. This variant is reported in 0.0082% of alleles in individuals of African descent in gnomAD. At this time, the clinical significance of this variant is uncertain due to the absence of conclusive functional and genetic evidence.